The following is an entry in ClinVar:

ClinVar aggregate classification (germline): Uncertain significance. Review status: criteria provided, multiple submitters, no conflicts (2 of 4 stars). 3 submissions from 3 submitters: Uncertain significance (3). Last evaluated 2022-06-06.

Allele frequency attached by ClinVar (database versions not stated): ExAC 0.00002; 1000 Genomes Project 30x 0.00016; 1000 Genomes Project 0.00020.
gnomAD v4.1: 5 of 1,613,476 alleles (0.00031%); highest among the groups gnomAD compares: South Asian, 0.0055%; no homozygotes.

Submissions (3):

Blueprint Genetics
Classification: Uncertain significance. Last evaluated: 2022-06-06. Review status: criteria provided, single submitter. Criteria: ACMG Guidelines, 2015. Collection method: clinical testing. Allele origin: germline.

Labcorp Genetics (formerly Invitae), Labcorp
Classification: Uncertain significance. Last evaluated: 2021-11-26. Review status: criteria provided, single submitter. Criteria: Invitae Variant Classification Sherloc (09022015). Collection method: clinical testing. Allele origin: germline.
Comment: In summary, the available evidence is currently insufficient to determine the role of this variant in disease. Therefore, it has been classified as a Variant of Uncertain Significance. Algorithms developed to predict the effect of missense changes on protein structure and function are either unavailable or do not agree on the potential impact of this missense change (SIFT: "Deleterious"; PolyPhen-2: "Probably Damaging"; Align-GVGD: "Class C0"). This variant has not been reported in the literature in individuals affected with SCN3A-related conditions. This variant is present in population databases (rs563038965, gnomAD 0.01%). This sequence change replaces proline, which is neutral and non-polar, with glutamine, which is neutral and polar, at codon 1165 of the SCN3A protein (p.Pro1165Gln).

Revvity Omics, Revvity
Classification: Uncertain significance. Last evaluated: 2019-10-03. Review status: criteria provided, single submitter. Criteria: ACMG Guidelines, 2015. Collection method: clinical testing. Allele origin: germline.

NM_006922.4(SCN3A):c.3494C>A (p.Pro1165Gln)

Gene: SCN3A (sodium voltage-gated channel alpha subunit 3; minus strand). Cytogenetic location: 2q24.3.
Variant type: single nucleotide variant.
Coding change: c.3494C>A on transcript NM_006922.4 (MANE Select); coding-DNA position 3494, C replaced by A.
Protein change: p.Pro1165Gln; replaces proline 1165 with glutamine.
Molecular consequence: missense variant.
Genome position (GRCh38, 1-based): chr2:165,115,475, G>T on the plus strand (C>A on the coding strand, the complement: SCN3A is on the minus strand). VCF-style: chr2-165115475-G-T. GRCh37 (hg19) VCF-style: chr2-165971985-G-T.
Other names: c.3494C>A (NM_006922.3); c.3347C>A, p.Pro1116Gln (NM_001081676.2, NM_001081677.2); short protein forms P1116Q, P1165Q.
Identifiers: ClinVar variation 1449985 (VCV001449985.9), dbSNP rs563038965, ClinGen allele CA1938782.